The following is an entry in ClinVar:

NM_001349253.2(SCN11A):c.4057-6del

Gene: SCN11A (sodium voltage-gated channel alpha subunit 11; minus strand). Cytogenetic location: 3p22.2.
Variant type: Deletion.
Coding change: c.4057-6del on transcript NM_001349253.2 (MANE Select); 6 bases into the intron before coding-DNA position 4057, one base deleted (T; older notation c.4057-6delT).
Molecular consequence: intron variant.
Genome position (GRCh38, 1-based): chr3:38,850,757, A deleted on the plus strand (T on the coding strand, the reverse complement: SCN11A is on the minus strand); the first of 8 consecutive A bases (chr3:38,850,757-38,850,764); deleting any one gives the same sequence. VCF-style (leftmost placement, unchanged base first): chr3-38850756-GA-G. GRCh37 (hg19) VCF-style: chr3-38892247-GA-G.
Other names: c.4057-6del (NM_014139.3).
Identifiers: ClinVar variation 1142743 (VCV001142743.9), dbSNP rs756182817, ClinGen allele CA2321610.
Genomic context (GRCh38, chr3:38,850,756, plus strand): 5'-ATGATGTCAAAGATCTGGCTTGTGACTATGTCGAACACGAGACCTTGACATTTGTTCTGA[GA>G]AAAAAAAGAAATTATAAATCATTTTGAATGCAAGAATAAAATTACATACAATAAAAAGAA-3'

ClinVar aggregate classification (germline): Conflicting classifications of pathogenicity. Review status: criteria provided, conflicting classifications (1 of 4 stars). 2 submissions from 2 submitters: Uncertain significance (1); Likely benign (1). Last evaluated 2022-07-20.

Conditions:
Hereditary sensory and autonomic neuropathy type 7. Also called: HSAN VII; Neuropathy, hereditary sensory and autonomic, type VII. Identifiers: Orphanet 391397, MedGen C3809882, MONDO:0014244, OMIM 615548.
Familial episodic pain syndrome with predominantly lower limb involvement. Also called: Episodic pain syndrome, familial, 3. Identifiers: Orphanet 391384, Orphanet 391392, MedGen C3809899, MONDO:0014247, OMIM 615552.
Inborn genetic diseases. Identifiers: MedGen C0950123, MeSH D030342.

Submissions (2):

Ambry Genetics
Classification: Uncertain significance for Inborn genetic diseases. Last evaluated: 2022-07-20. Review status: criteria provided, single submitter. Criteria: Ambry Variant Classification Scheme 2023. Collection method: clinical testing. Allele origin: germline.
Comment: The c.4057-6delT intronic variant, located in intron 24 of the SCN11A gene, results from a deletion of one nucleotide within intron 24 of the SCN11A gene. This nucleotide position is poorly conserved in available vertebrate species. In silico splice site analysis predicts that this alteration will not have any significant effect on splicing. Since supporting evidence is limited at this time, the clinical significance of this alteration remains unclear.

Labcorp Genetics (formerly Invitae), Labcorp
Classification: Likely benign for Familial episodic pain syndrome with predominantly lower limb involvement; Hereditary sensory and autonomic neuropathy type 7. Last evaluated: 2019-07-26. Review status: criteria provided, single submitter. Criteria: Invitae Variant Classification Sherloc (09022015). Collection method: clinical testing. Allele origin: germline.